The following is an entry in ClinVar:

NM_001199107.2(TBC1D24):c.445dup (p.Ala149fs)

Gene: TBC1D24 (TBC1 domain family member 24; plus strand). Cytogenetic location: 16p13.3.
Variant type: Duplication.
Coding change: c.445dup on transcript NM_001199107.2 (MANE Select); coding-DNA position 445, one base duplicated (G; older notation c.445dupG).
Protein change: p.Ala149fs; shifts the reading frame from alanine 149.
Molecular consequence: frameshift variant.
Genome position (GRCh38, 1-based): chr16:2,496,593, G duplicated; the last of 2 consecutive G bases (chr16:2,496,592-2,496,593); duplicating either gives the same sequence. VCF-style (leftmost placement, unchanged base first): chr16-2496591-A-AG. GRCh37 (hg19) VCF-style: chr16-2546592-A-AG.
Other names: c.445dup, p.Ala149fs (NM_020705.3); short protein forms A149fs.
Identifiers: ClinVar variation 3753121 (VCV003753121.2).

ClinVar aggregate classification (germline): Pathogenic (1 of 4 stars; one submission).

Conditions:
Autosomal dominant nonsyndromic hearing loss 65. Also called: Deafness, autosomal dominant 65; TBC1D24-Related Autosomal Dominant Nonsyndromic Hearing Loss (DFNA). Identifiers: Orphanet 90635, MedGen C3892048, MONDO:0014470, OMIM 616044.
Developmental and epileptic encephalopathy, 1 (DEE1). Also called: INFANTILE SPASM SYNDROME, X-LINKED 1; X-linked infantile spasms; West's syndrome; Tonic spasms with clustering, arrest of psychomotor development and hypsarrhythmia on EEG; X-Linked Infantile Spasm Syndrome; OHTAHARA SYNDROME, X-LINKED. Identifiers: MedGen C3463992, MONDO:0010632, OMIM 308350. Disease mechanism: loss of function.

Submission:

Labcorp Genetics (formerly Invitae), Labcorp
Classification: Pathogenic for Developmental and epileptic encephalopathy, 1; Autosomal dominant nonsyndromic hearing loss 65. Last evaluated: 2024-04-29. Review status: criteria provided, single submitter. Criteria: Invitae Variant Classification Sherloc (09022015). Collection method: clinical testing. Allele origin: germline.
Comment: This sequence change creates a premature translational stop signal (p.Ala149Glyfs*15) in the TBC1D24 gene. It is expected to result in an absent or disrupted protein product. Loss-of-function variants in TBC1D24 are known to be pathogenic (PMID: 23526554, 24291220). This variant is not present in population databases (gnomAD no frequency). This variant has not been reported in the literature in individuals affected with TBC1D24-related conditions. For these reasons, this variant has been classified as Pathogenic.

Literature cited by the submitters: PubMed 23526554; PubMed 24291220.